The following is an entry in ClinVar:

NM_015488.5(PNKD):c.*507G>C

Genes: PNKD (PNKD metallo-beta-lactamase domain containing; plus strand), CATIP-AS2 (CATIP antisense RNA 2; minus strand). Cytogenetic location: 2q35.
Variant type: single nucleotide variant.
Coding change: c.*507G>C on transcript NM_015488.5 (MANE Select); 507 bases downstream of the stop codon, G replaced by C.
Molecular consequence: 3 prime UTR variant.
Genome position (GRCh38, 1-based): chr2:218,345,488, G>C. VCF-style: chr2-218345488-G-C. GRCh37 (hg19) VCF-style: chr2-219210211-G-C.
Other names: c.*507G>C (NM_022572.5).
Identifiers: ClinVar variation 334337 (VCV000334337.6), dbSNP rs7586140, ClinGen allele CA10612809.

ClinVar aggregate classification (germline): Benign. Review status: criteria provided, multiple submitters, no conflicts (2 of 4 stars). 2 submissions from 2 submitters: Benign (2). Last evaluated 2018-01-13.

Conditions:
Paroxysmal nonkinesigenic dyskinesia 1 (PNKD1). Also called: Nonkinesigenic choreoathetosis; Familial paroxysmal choreoathetosis; DYSTONIA 8; Familial Paroxysmal Nonkinesigenic Dyskinesia; MOUNT-REBACK SYNDROME; PxMD-PNKD. Identifiers: Orphanet 98810, MedGen C4551506, MONDO:0700089, OMIM 118800, MONDO:0007326.

Allele frequency attached by ClinVar (database versions not stated): 1000 Genomes Project 0.06430; 1000 Genomes Project 30x 0.06590; gnomAD exomes 0.07979; TOPMed 0.08642; gnomAD 0.08982 and 0.09268.
gnomAD v4.1: 14,065 of 156,434 alleles (9%); highest among the groups gnomAD compares: Non-Finnish European, 11%; 674 homozygotes.

Submissions (2):

Illumina Laboratory Services, Illumina
Classification: Benign for Paroxysmal nonkinesigenic dyskinesia 1. Last evaluated: 2018-01-13. Review status: criteria provided, single submitter. Criteria: ICSL Variant Classification Criteria 13 December 2019. Collection method: clinical testing. Allele origin: germline.
Comment: This variant was observed in the ICSL laboratory as part of a predisposition screen in an ostensibly healthy population. It had not been previously curated by ICSL or reported in the Human Gene Mutation Database (HGMD: prior to June 1st, 2018), and was therefore a candidate for classification through an automated scoring system. Utilizing variant allele frequency, disease prevalence and penetrance estimates, and inheritance mode, an automated score was calculated to assess if this variant is too frequent to cause the disease. Based on the score and internal cut-off values, a variant classified as benign is not then subjected to further curation. The score for this variant resulted in a classification of benign for this disease.

Breakthrough Genomics
Classification: Benign. Review status: criteria provided, single submitter. Criteria: ACMG Guidelines, 2015. Collection method: not provided. Allele origin: germline. Inheritance: Autosomal dominant inheritance. Affected: yes.